The following is an entry in ClinVar:

ClinVar aggregate classification (germline): Pathogenic (1 of 4 stars; one submission).

Conditions:
Hereditary spastic paraplegia 4. Also called: Spastic paraplegia 4, autosomal dominant; Familial spastic paraplegia autosomal dominant 2; Spastic Paraplegia 4. Identifiers: Orphanet 100985, MedGen C1866855, MONDO:0008438, OMIM 182601.

Submission:

Labcorp Genetics (formerly Invitae), Labcorp
Classification: Pathogenic for Hereditary spastic paraplegia 4. Last evaluated: 2018-08-01. Review status: criteria provided, single submitter. Criteria: Invitae Variant Classification Sherloc (09022015). Collection method: clinical testing. Allele origin: germline.
Comment: This sequence change replaces serine with leucine at codon 413 of the SPAST protein (p.Ser413Leu). The serine residue is highly conserved and there is a large physicochemical difference between serine and leucine. This variant is not present in population databases (ExAC no frequency). This variant has been observed to be de novo in individuals affected with hereditary spastic paraplegias (HSP) (PMID: 20550563, Invitae). Algorithms developed to predict the effect of missense changes on protein structure and function (SIFT, PolyPhen-2, Align-GVGD) all suggest that this variant is likely to be disruptive, but these predictions have not been confirmed by published functional studies and their clinical significance is uncertain. For these reasons, this variant has been classified as Pathogenic.

Literature cited by the submitters: PubMed 20550563.

NM_014946.4(SPAST):c.1238C>T (p.Ser413Leu)

Gene: SPAST (spastin; plus strand). Cytogenetic location: 2p22.3.
Variant type: single nucleotide variant.
Coding change: c.1238C>T on transcript NM_014946.4 (MANE Select); coding-DNA position 1238, C replaced by T.
Protein change: p.Ser413Leu; replaces serine 413 with leucine.
Molecular consequence: missense variant.
Genome position (GRCh38, 1-based): chr2:32,128,472, C>T. VCF-style: chr2-32128472-C-T. GRCh37 (hg19) VCF-style: chr2-32353541-C-T.
Other names: c.1235C>T, p.Ser412Leu (NM_001363823.2); c.1139C>T, p.Ser380Leu (NM_001363875.2); c.1142C>T, p.Ser381Leu (NM_001377959.1, NM_199436.2); short protein forms S412L, S381L, S380L, S413L.
Identifiers: ClinVar variation 645183 (VCV000645183.8), dbSNP rs1553317045, ClinGen allele CA346501504.